The following is an entry in ClinVar:

ClinVar aggregate classification (germline): Likely benign (0 of 4 stars; one submission).

Conditions:
DLGAP2-related disorder. Also called: DLGAP2-related condition.

Allele frequency attached by ClinVar (database versions not stated): 1000 Genomes Project 30x 0.00047; 1000 Genomes Project 0.00060.
gnomAD v4.1: 294 of 1,603,556 alleles (0.018%); highest among the groups gnomAD compares: South Asian, 0.31%; 3 homozygotes.

Submission:

PreventionGenetics, part of Exact Sciences
Classification: Likely benign for DLGAP2-related condition. Last evaluated: 2019-08-21. Review status: no assertion criteria provided. Collection method: clinical testing. Allele origin: germline.
Comment: This variant is classified as likely benign based on ACMG/AMP sequence variant interpretation guidelines (Richards et al. 2015 PMID: 25741868, with internal and published modifications).

NM_001346810.2(DLGAP2):c.1884G>C (p.Ser628=)

Gene: DLGAP2 (DLG associated protein 2; plus strand). Cytogenetic location: 8p23.3.
Variant type: single nucleotide variant.
Coding change: c.1884G>C on transcript NM_001346810.2 (MANE Select); coding-DNA position 1884, G replaced by C.
Protein change: p.Ser628=; no amino-acid change (serine 628 retained).
Molecular consequence: synonymous variant.
Genome position (GRCh38, 1-based): chr8:1,668,402, G>C. VCF-style: chr8-1668402-G-C. GRCh37 (hg19) VCF-style: chr8-1616568-G-C.
Identifiers: ClinVar variation 3042838 (VCV003042838.2), dbSNP rs373089965, ClinGen allele CA4598655.